The following is an entry in ClinVar:

ClinVar aggregate classification (germline): Uncertain significance (1 of 4 stars; one submission).

Conditions:
Gastrointestinal stromal tumor. Also called: Gastrointestinal stroma tumor; Gastrointestinal stromal tumor, somatic. Identifiers: Orphanet 44890, MedGen C0238198, MeSH D046152, MONDO:0011719, OMIM 606764, HP:0100723.

Submission:

Labcorp Genetics (formerly Invitae), Labcorp
Classification: Uncertain significance for Gastrointestinal stromal tumor. Last evaluated: 2021-03-26. Review status: criteria provided, single submitter. Criteria: Invitae Variant Classification Sherloc (09022015). Collection method: clinical testing. Allele origin: germline.
Comment: This variant is not present in population databases (ExAC no frequency). This sequence change replaces phenylalanine with isoleucine at codon 508 of the KIT protein (p.Phe508Ile). The phenylalanine residue is moderately conserved and there is a small physicochemical difference between phenylalanine and isoleucine. This variant has not been reported in the literature in individuals with KIT-related conditions. In summary, the available evidence is currently insufficient to determine the role of this variant in disease. Therefore, it has been classified as a Variant of Uncertain Significance. Algorithms developed to predict the effect of missense changes on protein structure and function output the following: SIFT: "Tolerated"; PolyPhen-2: "Benign"; Align-GVGD: "Class C0". The isoleucine amino acid residue is found in multiple mammalian species, suggesting that this missense change does not adversely affect protein function. These predictions have not been confirmed by published functional studies and their clinical significance is uncertain.

NM_000222.3(KIT):c.1522T>A (p.Phe508Ile)

Gene: KIT (KIT proto-oncogene, receptor tyrosine kinase; plus strand). Cytogenetic location: 4q12.
Variant type: single nucleotide variant.
Coding change: c.1522T>A on transcript NM_000222.3 (MANE Select); coding-DNA position 1522, T replaced by A.
Protein change: p.Phe508Ile; replaces phenylalanine 508 with isoleucine.
Molecular consequence: missense variant.
Genome position (GRCh38, 1-based): chr4:54,726,032, T>A. VCF-style: chr4-54726032-T-A. GRCh37 (hg19) VCF-style: chr4-55592198-T-A.
Other names: c.1522T>A, p.Phe508Ile (NM_001093772.2, NM_001385285.1, NM_001385286.1); c.1525T>A, p.Phe509Ile (NM_001385284.1, NM_001385288.1, NM_001385290.1 and 1 more transcripts); short protein forms F508I, F509I.
Identifiers: ClinVar variation 1354463 (VCV001354463.8), dbSNP rs2109769774, ClinGen allele CA356906675.